The following is an entry in ClinVar:

NM_000047.3(ARSL):c.854+13G>A

Gene: ARSL (arylsulfatase L; minus strand). Cytogenetic location: Xp22.33.
Variant type: single nucleotide variant.
Coding change: c.854+13G>A on transcript NM_000047.3 (MANE Select); 13 bases into the intron after coding-DNA position 854, G replaced by A.
Molecular consequence: intron variant.
Genome position (GRCh38, 1-based): chrX:2,949,291, C>T on the plus strand (G>A on the coding strand, the complement: ARSL is on the minus strand). VCF-style: chrX-2949291-C-T. GRCh37 (hg19) VCF-style: chrX-2867332-C-T.
Other names: c.929+13G>A (NM_001282628.2, NM_001369080.1); c.692+13G>A (NM_001282631.2); c.881+13G>A (NM_001369079.1).
Identifiers: ClinVar variation 1962133 (VCV001962133.2), dbSNP rs768322495, ClinGen allele CA10338138.

ClinVar aggregate classification (germline): Uncertain significance (1 of 4 stars; one submission).

Conditions:
Chondrodysplasia punctata, brachytelephalangic, autosomal. Also called: BRACHYTELEPHALANGIC CHONDRODYSPLASIA PUNCTATA. Identifiers: MedGen C1844853, MONDO:0011238, OMIM 602497.

Allele frequency attached by ClinVar (database versions not stated): TOPMed below 0.00001; ExAC 0.00001; gnomAD 0.00002; 1000 Genomes Project 30x 0.00021; 1000 Genomes Project 0.00026.

Submission:

Labcorp Genetics (formerly Invitae), Labcorp
Classification: Uncertain significance for Chondrodysplasia punctata, brachytelephalangic, autosomal. Last evaluated: 2022-07-16. Review status: criteria provided, single submitter. Criteria: Invitae Variant Classification Sherloc (09022015). Collection method: clinical testing. Allele origin: germline.
Comment: This sequence change falls in intron 6 of the ARSE gene. It does not directly change the encoded amino acid sequence of the ARSE protein. This variant is present in population databases (rs768322495, gnomAD 0.004%). This variant has not been reported in the literature in individuals affected with ARSE-related conditions. Algorithms developed to predict the effect of sequence changes on RNA splicing suggest that this variant may create or strengthen a splice site. In summary, the available evidence is currently insufficient to determine the role of this variant in disease. Therefore, it has been classified as a Variant of Uncertain Significance.